The following is an entry in ClinVar:

ClinVar aggregate classification (germline): Uncertain significance. Review status: reviewed by expert panel (3 of 4 stars). 2 submissions from 2 submitters: Uncertain significance (1). 1 of the submissions does not count toward it. Last evaluated 2024-10-29.

Conditions:
Hereditary thrombocytopenia and hematological cancer predisposition syndrome associated with RUNX1. Also called: PLATELET DISORDER, ASPIRIN-LIKE; RUNX1 Familial Platelet Disorder with Associated Myeloid Malignancies; Familial Platelet Disorder with Propensity to Acute Myelogenous Leukemia; Familial thrombocytopenia with propensity to acute myelogenous leukemia. Identifiers: Orphanet 71290, MedGen C1832388, MeSH C563324, MONDO:0100083, OMIM 601399.
Hereditary thrombocytopenia and hematologic cancer predisposition syndrome. Identifiers: Orphanet 71290, MedGen CN281654, MONDO:0011071.

Submissions (2):

ClinGen Myeloid Malignancy Variant Curation Expert Panel
Classification: Uncertain significance for Hereditary thrombocytopenia and hematologic cancer predisposition syndrome. Last evaluated: 2024-10-29. Review status: reviewed by expert panel. Criteria: ClinGen MyeloMalig ACMG Specifications v2. Collection method: curation. Allele origin: germline. Inheritance: Autosomal dominant inheritance.
Comment: NM_001754.5(RUNX1):c.335T>A (p.Leu112Gln) is a missense variant which has a REVEL score ≥ 0.88 (0.978) (PP3). This variant affects one of the residues within the Runt Homology Domain (AA 89-204) but not in an established hotspot residue (PM1_Supporting). This variant is completely absent from all population databases with at least 20x coverage for RUNX1 (PM2_Supporting). In summary, the clinical significance of this variant is uncertain. ACMG/AMP criteria applied, as specified by the Myeloid Malignancy Variant Curation Expert Panel for RUNX1: PP3, PM1_supporting, PM2_supporting.

ISTH-SSC Genomics in Thrombosis and Hemostasis, KU Leuven, Center for Molecular and Vascular Biology
Classification: Uncertain significance for Hereditary thrombocytopenia and hematological cancer predisposition syndrome associated with RUNX1. Review status: no assertion criteria provided. Collection method: research. Allele origin: unknown. Affected: yes. Not counted in ClinVar's aggregate classification.
Comment: Submitted to GoldVariant by Dr Karyn Mégy from NIHR Bioresource - Cambridge University, UK

NM_001754.5(RUNX1):c.335T>A (p.Leu112Gln)

Gene: RUNX1 (RUNX family transcription factor 1; minus strand). Cytogenetic location: 21q22.12.
Variant type: single nucleotide variant.
Coding change: c.335T>A on transcript NM_001754.5 (MANE Select); coding-DNA position 335, T replaced by A.
Protein change: p.Leu112Gln; replaces leucine 112 with glutamine.
Molecular consequence: missense variant.
Genome position (GRCh38, 1-based): chr21:34,886,859, A>T on the plus strand (T>A on the coding strand, the complement: RUNX1 is on the minus strand). VCF-style: chr21-34886859-A-T. GRCh37 (hg19) VCF-style: chr21-36259156-A-T.
Other names: NM_001754.5(RUNX1):c.335T>A; p.Leu112Gln; c.254T>A, p.Leu85Gln (NM_001001890.3, NM_001122607.2); short protein forms L112Q, L85Q.
Identifiers: ClinVar variation 1684419 (VCV001684419.2), dbSNP rs2146408091, ClinGen allele CA410203402.